The following is an entry in ClinVar:

NM_025114.4(CEP290):c.259T>C (p.Leu87=)

Gene: CEP290 (centrosomal protein 290; minus strand). Cytogenetic location: 12q21.32.
Variant type: single nucleotide variant.
Coding change: c.259T>C on transcript NM_025114.4 (MANE Select); coding-DNA position 259, T replaced by C.
Protein change: p.Leu87=; no amino-acid change (leucine 87 retained).
Molecular consequence: synonymous variant.
Genome position (GRCh38, 1-based): chr12:88,139,183, A>G on the plus strand (T>C on the coding strand, the complement: CEP290 is on the minus strand). VCF-style: chr12-88139183-A-G. GRCh37 (hg19) VCF-style: chr12-88532960-A-G.
Other names: c.259T>C (NM_025114.3).
Identifiers: ClinVar variation 2116473 (VCV002116473.5), dbSNP rs2501786982, ClinGen allele CA481054683.

ClinVar aggregate classification (germline): Likely benign. Review status: criteria provided, multiple submitters, no conflicts (2 of 4 stars). 2 submissions from 2 submitters: Likely benign (2). Last evaluated 2026-03-09.

Conditions:
CEP290-related disorder. Also called: CEP290-related disorders; CEP290-related condition. Identifiers: MedGen CN239314.
Joubert syndrome. Also called: JOUBERT-BOLTSHAUSER SYNDROME; Familial aplasia of the vermis. Identifiers: Orphanet 475, MedGen C5979921, MONDO:0018772.
Nephronophthisis. Also called: Juvenile Nephronophthisis. Identifiers: Orphanet 655, MedGen C0687120, MONDO:0019005, HP:0000090.
Meckel-Gruber syndrome. Also called: DYSENCEPHALIA SPLANCHNOCYSTICA; GRUBER SYNDROME; Dysencephalia splachnocystica. Identifiers: Orphanet 564, MedGen C0265215, MONDO:0018921.

Submissions (2):

PreventionGenetics, part of Exact Sciences
Classification: Likely benign for CEP290-related condition. Last evaluated: 2026-03-09. Review status: criteria provided, single submitter. Criteria: ACMG Guidelines, 2015. Collection method: clinical testing. Allele origin: germline.
Comment: This variant is classified as likely benign based on ACMG/AMP sequence variant interpretation guidelines (Richards et al. 2015 PMID: 25741868, with internal and published modifications).

Labcorp Genetics (formerly Invitae), Labcorp
Classification: Likely benign for Joubert syndrome; Meckel-Gruber syndrome; Nephronophthisis. Last evaluated: 2022-03-24. Review status: criteria provided, single submitter. Criteria: Invitae Variant Classification Sherloc (09022015). Collection method: clinical testing. Allele origin: germline.